The following is an entry in ClinVar:

NM_201525.4(ADGRG1):c.1239C>G (p.Val413=)

Gene: ADGRG1 (adhesion G protein-coupled receptor G1; plus strand). Cytogenetic location: 16q21.
Variant type: single nucleotide variant.
Coding change: c.1239C>G on transcript NM_201525.4 (MANE Select); coding-DNA position 1239, C replaced by G.
Protein change: p.Val413=; no amino-acid change (valine 413 retained).
Molecular consequence: synonymous variant.
Genome position (GRCh38, 1-based): chr16:57,657,444, C>G. VCF-style: chr16-57657444-C-G. GRCh37 (hg19) VCF-style: chr16-57691356-C-G.
Other names: c.1239C>G (NM_005682.6); c.1239C>G, p.Val413= (NM_001145770.3, NM_001145771.3, NM_001145772.3 and 14 more transcripts); c.1254C>G, p.Val418= (NM_001145773.3, NM_001370433.1); c.729C>G, p.Val243= (NM_001290142.2); c.714C>G, p.Val238= (NM_001290143.2, NM_001290144.2, NM_001370451.1 and 2 more transcripts); c.1236C>G, p.Val412= (NM_001370434.1, NM_001370441.1); c.1083C>G, p.Val361= (NM_001370442.1).
Identifiers: ClinVar variation 1138383 (VCV001138383.11), dbSNP rs376948797, ClinGen allele CA8078696.

ClinVar aggregate classification (germline): Likely benign. Review status: criteria provided, single submitter (1 of 4 stars). 2 submissions from 2 submitters: Likely benign (1). 1 of the submissions does not count toward it. Last evaluated 2026-01-19.

Conditions:
ADGRG1-related disorder. Also called: ADGRG1-related condition.

Allele frequency attached by ClinVar (database versions not stated): gnomAD 0.00001 and 0.00003; TOPMed 0.00002; gnomAD exomes 0.00007 and 0.00010; ExAC 0.00011; ESP Exome Variant Server 0.00015.
gnomAD v4.1: 107 of 1,614,044 alleles (0.0066%); highest among the groups gnomAD compares: South Asian, 0.074%; no homozygotes.

Submissions (2):

Labcorp Genetics (formerly Invitae), Labcorp
Classification: Likely benign. Last evaluated: 2026-01-19. Review status: criteria provided, single submitter. Criteria: Invitae Variant Classification Sherloc (09022015). Collection method: clinical testing. Allele origin: germline.

PreventionGenetics, part of Exact Sciences
Classification: Likely benign for ADGRG1-related condition. Last evaluated: 2019-04-26. Review status: no assertion criteria provided. Collection method: clinical testing. Allele origin: germline. Not counted in ClinVar's aggregate classification.
Comment: This variant is classified as likely benign based on ACMG/AMP sequence variant interpretation guidelines (Richards et al. 2015 PMID: 25741868, with internal and published modifications).